The following continues an entry in ClinVar:

NM_001001520.3(HDGFL2):c.1685A>G (p.Asn562Ser)

Gene: HDGFL2. ClinVar aggregate classification (germline): Likely benign.

Submissions 35 to 52 of 52:

Dr. Peter K. Rogan Lab, Western University
No classification provided (evidence only). Condition: Hepatocellular carcinoma. Review status: no classification provided. Collection method: in vitro. Allele origin: not applicable. Functional consequence: retained intron. Not counted in ClinVar's aggregate classification.

Dr. Peter K. Rogan Lab, Western University
No classification provided (evidence only). Condition: Hepatocellular carcinoma. Review status: no classification provided. Collection method: in vitro. Allele origin: not applicable. Functional consequence: retained intron. Not counted in ClinVar's aggregate classification.

Dr. Peter K. Rogan Lab, Western University
No classification provided (evidence only). Condition: Nonpapillary renal cell carcinoma. Review status: no classification provided. Collection method: in vitro. Allele origin: not applicable. Functional consequence: retained intron. Not counted in ClinVar's aggregate classification.

Dr. Peter K. Rogan Lab, Western University
No classification provided (evidence only). Condition: Nonpapillary renal cell carcinoma. Review status: no classification provided. Collection method: in vitro. Allele origin: not applicable. Functional consequence: retained intron. Not counted in ClinVar's aggregate classification.

Dr. Peter K. Rogan Lab, Western University
No classification provided (evidence only). Condition: Nonpapillary renal cell carcinoma. Review status: no classification provided. Collection method: in vitro. Allele origin: not applicable. Functional consequence: retained intron. Not counted in ClinVar's aggregate classification.

Dr. Peter K. Rogan Lab, Western University
No classification provided (evidence only). Condition: Thymoma. Review status: no classification provided. Collection method: in vitro. Allele origin: not applicable. Functional consequence: retained intron. Not counted in ClinVar's aggregate classification.

Dr. Peter K. Rogan Lab, Western University
No classification provided (evidence only). Condition: Thymoma. Review status: no classification provided. Collection method: in vitro. Allele origin: not applicable. Functional consequence: retained intron. Not counted in ClinVar's aggregate classification.

Dr. Peter K. Rogan Lab, Western University
No classification provided (evidence only). Condition: Ovarian serous cystadenocarcinoma. Review status: no classification provided. Collection method: in vitro. Allele origin: not applicable. Functional consequence: retained intron. Not counted in ClinVar's aggregate classification.

Dr. Peter K. Rogan Lab, Western University
No classification provided (evidence only). Condition: Ovarian serous cystadenocarcinoma. Review status: no classification provided. Collection method: in vitro. Allele origin: not applicable. Functional consequence: retained intron. Not counted in ClinVar's aggregate classification.

Dr. Peter K. Rogan Lab, Western University
No classification provided (evidence only). Condition: Ovarian serous cystadenocarcinoma. Review status: no classification provided. Collection method: in vitro. Allele origin: not applicable. Functional consequence: retained intron. Not counted in ClinVar's aggregate classification.

Dr. Peter K. Rogan Lab, Western University
No classification provided (evidence only). Condition: Ovarian serous cystadenocarcinoma. Review status: no classification provided. Collection method: in vitro. Allele origin: not applicable. Functional consequence: retained intron. Not counted in ClinVar's aggregate classification.

Dr. Peter K. Rogan Lab, Western University
No classification provided (evidence only). Condition: Ovarian serous cystadenocarcinoma. Review status: no classification provided. Collection method: in vitro. Allele origin: not applicable. Functional consequence: retained intron. Not counted in ClinVar's aggregate classification.

Dr. Peter K. Rogan Lab, Western University
No classification provided (evidence only). Condition: Ovarian serous cystadenocarcinoma. Review status: no classification provided. Collection method: in vitro. Allele origin: not applicable. Functional consequence: retained intron. Not counted in ClinVar's aggregate classification.

Dr. Peter K. Rogan Lab, Western University
No classification provided (evidence only). Condition: Ovarian serous cystadenocarcinoma. Review status: no classification provided. Collection method: in vitro. Allele origin: not applicable. Functional consequence: retained intron. Not counted in ClinVar's aggregate classification.

Dr. Peter K. Rogan Lab, Western University
No classification provided (evidence only). Condition: Gastric cancer. Review status: no classification provided. Collection method: in vitro. Allele origin: not applicable. Functional consequence: retained intron. Not counted in ClinVar's aggregate classification.

Dr. Peter K. Rogan Lab, Western University
No classification provided (evidence only). Condition: Gastric cancer. Review status: no classification provided. Collection method: in vitro. Allele origin: not applicable. Functional consequence: retained intron. Not counted in ClinVar's aggregate classification.

Dr. Peter K. Rogan Lab, Western University
No classification provided (evidence only). Condition: Malignant tumor of esophagus. Review status: no classification provided. Collection method: in vitro. Allele origin: not applicable. Functional consequence: retained intron. Not counted in ClinVar's aggregate classification.

Dr. Peter K. Rogan Lab, Western University
No classification provided (evidence only). Condition: Malignant tumor of esophagus. Review status: no classification provided. Collection method: in vitro. Allele origin: not applicable. Functional consequence: retained intron. Not counted in ClinVar's aggregate classification.